The following is an entry in ClinVar:

NM_001291303.3(FAT4):c.14144A>G (p.Tyr4715Cys)

Gene: FAT4 (FAT atypical cadherin 4; plus strand). Cytogenetic location: 4q28.1.
Variant type: single nucleotide variant.
Coding change: c.14144A>G on transcript NM_001291303.3 (MANE Select); coding-DNA position 14144, A replaced by G.
Protein change: p.Tyr4715Cys; replaces tyrosine 4715 with cysteine.
Molecular consequence: missense variant.
Genome position (GRCh38, 1-based): chr4:125,490,960, A>G. VCF-style: chr4-125490960-A-G. GRCh37 (hg19) VCF-style: chr4-126412115-A-G.
Other names: c.14141A>G, p.Tyr4714Cys (NM_001291285.3); c.14138A>G, p.Tyr4713Cys (NM_024582.6); short protein forms Y4714C, Y4713C, Y4715C.
Identifiers: ClinVar variation 2185425 (VCV002185425.1), dbSNP rs773804085, ClinGen allele CA3074512.

ClinVar aggregate classification (germline): Uncertain significance (1 of 4 stars; one submission).

Allele frequency attached by ClinVar (database versions not stated): gnomAD exomes 0.00001; ExAC 0.00002.
gnomAD v4.1: 10 of 1,614,162 alleles (0.00062%); highest among the groups gnomAD compares: Non-Finnish European, 0.00076%; no homozygotes.

Submission:

Labcorp Genetics (formerly Invitae), Labcorp
Classification: Uncertain significance. Last evaluated: 2022-06-07. Review status: criteria provided, single submitter. Criteria: Invitae Variant Classification Sherloc (09022015). Collection method: clinical testing. Allele origin: germline.
Comment: This sequence change replaces tyrosine, which is neutral and polar, with cysteine, which is neutral and slightly polar, at codon 4713 of the FAT4 protein (p.Tyr4713Cys). This variant is present in population databases (rs773804085, gnomAD 0.004%). This variant has not been reported in the literature in individuals affected with FAT4-related conditions. Advanced modeling of protein sequence and biophysical properties (such as structural, functional, and spatial information, amino acid conservation, physicochemical variation, residue mobility, and thermodynamic stability) performed at Invitae indicates that this missense variant is not expected to disrupt FAT4 protein function. In summary, the available evidence is currently insufficient to determine the role of this variant in disease. Therefore, it has been classified as a Variant of Uncertain Significance.